The following is an entry in ClinVar:

ClinVar aggregate classification (germline): Uncertain significance. Review status: criteria provided, multiple submitters, no conflicts (2 of 4 stars). 2 submissions from 2 submitters: Uncertain significance (2). Last evaluated 2023-10-16.

Conditions:
Inborn genetic diseases. Identifiers: MedGen C0950123, MeSH D030342.

Allele frequency attached by ClinVar (database versions not stated): ExAC 0.00001; gnomAD exomes 0.00001; gnomAD 0.00005; TOPMed 0.00005; ESP Exome Variant Server 0.00008.
gnomAD v4.1: 16 of 1,613,532 alleles (0.00099%); highest among the groups gnomAD compares: African/African-American, 0.016%; no homozygotes.

Submissions (2):

GeneDx
Classification: Uncertain significance. Last evaluated: 2023-10-16. Review status: criteria provided, single submitter. Criteria: GeneDx Variant Classification Process June 2021. Collection method: clinical testing. Allele origin: germline. Affected: yes.
Comment: In silico analysis supports that this missense variant does not alter protein structure/function; Has not been previously published as pathogenic or benign to our knowledge

Ambry Genetics
Classification: Uncertain significance for Inborn genetic diseases. Last evaluated: 2021-09-17. Review status: criteria provided, single submitter. Criteria: Ambry Variant Classification Scheme 2023. Collection method: clinical testing. Allele origin: germline.

NM_002608.4(PDGFB):c.597G>T (p.Gln199His)

Gene: PDGFB (platelet derived growth factor subunit B; minus strand). Cytogenetic location: 22q13.1.
Variant type: single nucleotide variant.
Coding change: c.597G>T on transcript NM_002608.4 (MANE Select); coding-DNA position 597, G replaced by T.
Protein change: p.Gln199His; replaces glutamine 199 with histidine.
Molecular consequence: missense variant.
Genome position (GRCh38, 1-based): chr22:39,230,088, C>A on the plus strand (G>T on the coding strand, the complement: PDGFB is on the minus strand). VCF-style: chr22-39230088-C-A. GRCh37 (hg19) VCF-style: chr22-39626093-C-A.
Other names: c.552G>T, p.Gln184His (NM_033016.3); short protein forms Q199H, Q184H.
Identifiers: ClinVar variation 2251893 (VCV002251893.3), dbSNP rs139548530, ClinGen allele CA10240063.
Genomic context (GRCh38, chr22:39,230,088, plus strand): 5'-GCCCCCAGCTGCTGCAGGGGAAGGGGGCTGAGGGCTGAGCCTGGAAAGGTGGTTACCTCG[C>A]TGCTCCTGGGAACCCCCCGGGCTTCGGGTCACAGGCCGTGCAGCTGCCACTGTCTCACAC-3'
Protein context (NP_002599.1, residues 189-209): VTRSPGGSQE[Gln199His]RAKTPQTRVT